The following is an entry in ClinVar:

NM_000348.4(SRD5A2):c.7G>A (p.Val3Ile)

Gene: SRD5A2 (steroid 5 alpha-reductase 2; minus strand). Cytogenetic location: 2p23.1.
Variant type: single nucleotide variant.
Coding change: c.7G>A on transcript NM_000348.4 (MANE Select); coding-DNA position 7, G replaced by A.
Protein change: p.Val3Ile; replaces valine 3 with isoleucine.
Molecular consequence: missense variant.
Genome position (GRCh38, 1-based): chr2:31,580,894, C>T on the plus strand (G>A on the coding strand, the complement: SRD5A2 is on the minus strand). VCF-style: chr2-31580894-C-T. GRCh37 (hg19) VCF-style: chr2-31805963-C-T.
Other names: short protein forms V3I.
Identifiers: ClinVar variation 3896340 (VCV003896340.2).

ClinVar aggregate classification (germline): Uncertain significance (1 of 4 stars; one submission).

gnomAD v4.1: 4 of 1,600,206 alleles (0.00025%); highest among the groups gnomAD compares: African/African-American, 0.0027%; no homozygotes.

Submission:

Women's Health and Genetics/Laboratory Corporation of America, LabCorp
Classification: Uncertain significance. Last evaluated: 2025-04-10. Review status: criteria provided, single submitter. Criteria: LabCorp Variant Classification Summary - May 2015. Collection method: clinical testing. Allele origin: germline.
Comment: Variant summary: SRD5A2 c.7G>A (p.Val3Ile) results in a conservative amino acid change in the encoded protein sequence. Three of three in-silico tools predict a benign effect of the variant on protein function. The variant allele was found at a frequency of 4.3e-06 in 234748 control chromosomes. The available data on variant occurrences in the general population are insufficient to allow any conclusion about variant significance. c.7G>A has been observed in individual(s) affected with 3-Oxo-5 alpha-steroid delta 4-dehydrogenase deficiency (Ramos_2020). These report(s) do not provide unequivocal conclusions about association of the variant with 3-Oxo-5 alpha-steroid delta 4-dehydrogenase deficiency. At least one publication reports experimental evidence evaluating an impact on protein function. The most pronounced variant effect results in 80% of normal activity (Ramos_2020). The following publication have been ascertained in the context of this evaluation (PMID: 32380235). No submitters have cited clinical-significance assessments for this variant to ClinVar. Based on the evidence outlined above, the variant was classified as uncertain significance.

Literature cited by the submitters: PubMed 32380235.